The following is an entry in ClinVar:

NM_001039591.3(USP9X):c.1483G>A (p.Ala495Thr)

Gene: USP9X (ubiquitin specific peptidase 9 X-linked; plus strand). Cytogenetic location: Xp11.4.
Variant type: single nucleotide variant.
Coding change: c.1483G>A on transcript NM_001039591.3 (MANE Select); coding-DNA position 1483, G replaced by A.
Protein change: p.Ala495Thr; replaces alanine 495 with threonine.
Molecular consequence: missense variant.
Genome position (GRCh38, 1-based): chrX:41,148,432, G>A. VCF-style: chrX-41148432-G-A. GRCh37 (hg19) VCF-style: chrX-41007685-G-A.
Other names: c.1483G>A, p.Ala495Thr (NM_001039590.3, NM_001410748.1, NM_001410749.1 and 1 more transcripts); short protein forms A495T.
Identifiers: ClinVar variation 4733605 (VCV004733605.1).
Genomic context (GRCh38, chrX:41,148,432, plus strand): 5'-AGTTGGACAAATGCGAGTAAAAAGCAACGTGAAAAGCTACTTGAGCTGATACGTCGTCTT[G>A]CAGAAGATGATAAAGATGGTGTGATGGCACACAAAGTGTTGAACCTTCTGTGGAATCTGG-3'
Protein context (NP_001034680.2, residues 485-505): EKLLELIRRL[Ala495Thr]EDDKDGVMAH

ClinVar aggregate classification (germline): Uncertain significance (1 of 4 stars; one submission).

Submission:

Labcorp Genetics (formerly Invitae), Labcorp
Classification: Uncertain significance. Last evaluated: 2026-01-07. Review status: criteria provided, single submitter. Criteria: Invitae Variant Classification Sherloc (09022015). Collection method: clinical testing. Allele origin: germline.
Comment: This sequence change replaces alanine, which is neutral and non-polar, with threonine, which is neutral and polar, at codon 495 of the USP9X protein (p.Ala495Thr). This variant is not present in population databases (gnomAD no frequency). This variant has not been reported in the literature in individuals affected with USP9X-related conditions. An algorithm developed to predict the effect of missense changes on protein structure and function (PolyPhen-2) suggests that this variant is likely to be tolerated. In summary, the available evidence is currently insufficient to determine the role of this variant in disease. Therefore, it has been classified as a Variant of Uncertain Significance.